The following is an entry in ClinVar:

ClinVar aggregate classification (germline): Uncertain significance (1 of 4 stars; one submission).

Conditions:
Hereditary cancer-predisposing syndrome. Also called: Neoplastic Syndromes, Hereditary; Tumor predisposition; Hereditary neoplastic syndrome; Hereditary Cancer Syndrome. Identifiers: Orphanet 140162, MedGen C0027672, MeSH D009386, MONDO:0015356.

Submission:

Ambry Genetics
Classification: Uncertain significance for Hereditary cancer-predisposing syndrome. Last evaluated: 2023-01-10. Review status: criteria provided, single submitter. Criteria: Ambry Variant Classification Scheme 2023. Collection method: clinical testing. Allele origin: germline.
Comment: The p.N455I variant (also known as c.1364A>T), located in coding exon 9 of the BRCA1 gene, results from an A to T substitution at nucleotide position 1364. The asparagine at codon 455 is replaced by isoleucine, an amino acid with dissimilar properties. This amino acid position is not well conserved in available vertebrate species. In addition, the in silico prediction for this alteration is inconclusive. Since supporting evidence is limited at this time, the clinical significance of this alteration remains unclear.

NM_007294.4(BRCA1):c.1364A>T (p.Asn455Ile)

Gene: BRCA1 (BRCA1 DNA repair associated; minus strand). Cytogenetic location: 17q21.31.
Variant type: single nucleotide variant.
Coding change: c.1364A>T on transcript NM_007294.4 (MANE Select); coding-DNA position 1364, A replaced by T.
Protein change: p.Asn455Ile; replaces asparagine 455 with isoleucine.
Molecular consequence: missense variant. On other transcripts: intron variant (137).
Genome position (GRCh38, 1-based): chr17:43,094,167, T>A on the plus strand (A>T on the coding strand, the complement: BRCA1 is on the minus strand). VCF-style: chr17-43094167-T-A. GRCh37 (hg19) VCF-style: chr17-41246184-T-A.
Other names: c.787+577A>T (NM_001407968.1, NM_001407980.1, NM_001407993.1 and 19 more transcripts); c.1283A>T, p.Asn428Ile (NM_001407662.1, NM_001407659.1, NM_001407660.1 and 1 more transcripts); c.1286A>T, p.Asn429Ile (NM_001407663.1, NM_001407653.1, NM_001407654.1 and 4 more transcripts); c.1241A>T, p.Asn414Ile (NM_001407664.1, NM_001407666.1, NM_001407665.1 and 19 more transcripts); c.643+577A>T (NM_001408468.1, NM_001408470.1, NM_001408464.1 and 3 more transcripts); c.646+577A>T (NM_001408455.1, NM_001408458.1, NM_001408469.1 and 11 more transcripts); c.577+577A>T (NM_001408513.1, NM_001408492.1, NM_001408481.1 and 9 more transcripts); c.523+577A>T (NM_001408500.1, NM_001408501.1, NM_001408498.1 and 3 more transcripts); and 40 more; short protein forms N159I, N287I, N327I, N328I, N343I, N344I, N366I, N367I.
Identifiers: ClinVar variation 3226099 (VCV003226099.1), dbSNP rs2154451867, ClinGen allele CA10599319.
Genomic context (GRCh38, chr17:43,094,167, plus strand): 5'-CTTAAGTTGGGGAGGCTTGCCTTCTTCCGATAGGTTTTCCCAAATATTTTGTCTTCAATA[T>A]TACTCTCTACTGATTTGGAGTGAACTCTTTCACTTTTACATATTAAAGCCTCATGAGGAT-3'
Protein context (NP_009225.1, residues 445-465): ERVHSKSVES[Asn455Ile]IEDKIFGKTY